The following is an entry in ClinVar:

NM_001018115.3(FANCD2):c.4281+1del

Genes: FANCD2 (FA complementation group D2; plus strand), FANCD2OS (FANCD2 opposite strand; minus strand). Cytogenetic location: 3p25.3.
Variant type: Deletion.
Coding change: c.4281+1del on transcript NM_001018115.3 (MANE Select); the canonical splice donor site of the intron after coding-DNA position 4281, one base deleted (G; older notation c.4281+1delG).
Molecular consequence: splice donor variant. On other transcripts: frameshift variant (2), intron variant (1).
Genome position (GRCh38, 1-based): chr3:10,098,816, G deleted; the last of 2 consecutive G bases (chr3:10,098,815-10,098,816); deleting either gives the same sequence. VCF-style (leftmost placement, unchanged base first): chr3-10098814-AG-A. GRCh37 (hg19) VCF-style: chr3-10140498-AG-A.
Other names: c.4243del, p.Val1415fs (NM_001374254.1); c.4282del, p.Val1428fs (NM_033084.6); c.4281+1del (NM_001319984.2); c.4170+1del (NM_001374253.1); c.*43+5383del (NM_173472.2); short protein forms V1415fs, V1428fs.
Identifiers: ClinVar variation 1956849 (VCV001956849.5), dbSNP rs2470096062, ClinGen allele CA2580068388.

ClinVar aggregate classification (germline): Uncertain significance (1 of 4 stars; one submission).

Conditions:
Fanconi anemia (FA). Also called: Fanconi's anemia. Identifiers: Orphanet 84, MedGen C0015625, MeSH D005199, MONDO:0019391.

Submission:

Labcorp Genetics (formerly Invitae), Labcorp
Classification: Uncertain significance for Fanconi anemia. Last evaluated: 2021-12-29. Review status: criteria provided, single submitter. Criteria: Invitae Variant Classification Sherloc (09022015). Collection method: clinical testing. Allele origin: germline.
Comment: In summary, the available evidence is currently insufficient to determine the role of this variant in disease. Therefore, it has been classified as a Variant of Uncertain Significance. Experimental studies and prediction algorithms are not available or were not evaluated, and the functional significance of this variant is currently unknown. This variant has not been reported in the literature in individuals affected with FANCD2-related conditions. This variant is not present in population databases (gnomAD no frequency). This sequence change creates a premature translational stop signal (p.Val1428Tyrfs*17) in the FANCD2 gene. While this is not anticipated to result in nonsense mediated decay, it is expected to disrupt the last 44 amino acid(s) of the FANCD2 protein.